The following is an entry in ClinVar:

NM_000238.4(KCNH2):c.1780G>C (p.Gly594Arg)

Gene: KCNH2 (potassium voltage-gated channel subfamily H member 2; minus strand). Cytogenetic location: 7q36.1.
Variant type: single nucleotide variant.
Coding change: c.1780G>C on transcript NM_000238.4 (MANE Select); coding-DNA position 1780, G replaced by C.
Protein change: p.Gly594Arg; replaces glycine 594 with arginine.
Molecular consequence: missense variant.
Genome position (GRCh38, 1-based): chr7:150,951,613, C>G on the plus strand (G>C on the coding strand, the complement: KCNH2 is on the minus strand). VCF-style: chr7-150951613-C-G. GRCh37 (hg19) VCF-style: chr7-150648701-C-G.
Other names: c.760G>C, p.Gly254Arg (NM_001204798.2, NM_172057.3); c.1492G>C, p.Gly498Arg (NM_001406753.1, NM_001406756.1); c.1603G>C, p.Gly535Arg (NM_001406755.1); c.1480G>C, p.Gly494Arg (NM_001406757.1); c.1780G>C, p.Gly594Arg (NM_172056.3); short protein forms G254R, G594R, G535R, G498R, G494R.
Identifiers: ClinVar variation 1026973 (VCV001026973.9), dbSNP rs1801167694, ClinGen allele CA369858081.

ClinVar aggregate classification (germline): Uncertain significance (1 of 4 stars; one submission).

Conditions:
Long QT syndrome (LQTS). Identifiers: MedGen C0023976, MeSH D008133, MONDO:0002442. Disease mechanism: loss of function. Inheritance: Various modes of inheritance.

Submission:

Labcorp Genetics (formerly Invitae), Labcorp
Classification: Uncertain significance for Long QT syndrome. Last evaluated: 2020-01-27. Review status: criteria provided, single submitter. Criteria: Invitae Variant Classification Sherloc (09022015). Collection method: clinical testing. Allele origin: germline.
Comment: This variant has not been reported in the literature in individuals with KCNH2-related conditions. This variant is not present in population databases (ExAC no frequency). This sequence change replaces glycine with arginine at codon 594 of the KCNH2 protein (p.Gly594Arg). The glycine residue is moderately conserved and there is a moderate physicochemical difference between glycine and arginine. Algorithms developed to predict the effect of missense changes on protein structure and function are either unavailable or do not agree on the potential impact of this missense change (SIFT: "Tolerated"; PolyPhen-2: "Probably Damaging"; Align-GVGD: "Class C0"). In summary, the available evidence is currently insufficient to determine the role of this variant in disease. Therefore, it has been classified as a Variant of Uncertain Significance. This variant disrupts the p.Gly594 amino acid residue in KCNH2. Other variant(s) that disrupt this residue have been determined to be pathogenic (PMID: 22949429, 17905336, 25417810). This suggests that this residue is clinically significant, and that variants that disrupt this residue are likely to be disease-causing.

Literature cited by the submitters: PubMed 22949429; PubMed 17905336; PubMed 25417810.